The following is an entry in ClinVar:

NM_000059.4(BRCA2):c.1553C>G (p.Ala518Gly)

Gene: BRCA2 (BRCA2 DNA repair associated; plus strand). Cytogenetic location: 13q13.1.
Variant type: single nucleotide variant.
Coding change: c.1553C>G on transcript NM_000059.4 (MANE Select); coding-DNA position 1553, C replaced by G.
Protein change: p.Ala518Gly; replaces alanine 518 with glycine.
Molecular consequence: missense variant.
Genome position (GRCh38, 1-based): chr13:32,333,031, C>G. VCF-style: chr13-32333031-C-G. GRCh37 (hg19) VCF-style: chr13-32907168-C-G.
Other names: short protein forms A518G.
Identifiers: ClinVar variation 928553 (VCV000928553.12), dbSNP rs2072416288, ClinGen allele CA387764672.

ClinVar aggregate classification (germline): Conflicting classifications of pathogenicity. Review status: criteria provided, conflicting classifications (1 of 4 stars). 4 submissions from 4 submitters: Uncertain significance (3); Likely benign (1). Last evaluated 2023-03-23.

Conditions:
Hereditary cancer-predisposing syndrome. Also called: Neoplastic Syndromes, Hereditary; Hereditary Cancer Syndrome; Tumor predisposition; Hereditary neoplastic syndrome. Identifiers: Orphanet 140162, MedGen C0027672, MeSH D009386, MONDO:0015356.
Hereditary breast ovarian cancer syndrome. Also called: Hereditary breast and ovarian cancer syndrome; Hereditary breast and ovarian cancer syndrome (HBOC); Hereditary breast and/or ovarian cancer syndrome; Hereditary breast and ovarian cancer; Breast and ovarian cancer; BRCA1- and BRCA2-Associated Hereditary Breast and Ovarian Cancer. Identifiers: Orphanet 145, MedGen C0677776, MeSH D061325, MONDO:0003582. Disease mechanism: loss of function.

Submissions (4):

University of Washington Department of Laboratory Medicine, University of Washington
Classification: Likely benign for Hereditary cancer-predisposing syndrome. Last evaluated: 2023-03-23. Review status: criteria provided, single submitter. Criteria: Dines et al. (Genet Med. 2020). Collection method: curation. Allele origin: germline.
Comment: Missense variant in a coldspot region where missense variants are very unlikely to be pathogenic (PMID:31911673).

BRCA2 exon 10 coldspot. Reclassification based on statistical prior probability.

Color Diagnostics, LLC DBA Color Health
Classification: Uncertain significance for Hereditary cancer-predisposing syndrome. Last evaluated: 2021-08-31. Review status: criteria provided, single submitter. Criteria: ACMG Guidelines, 2015. Collection method: clinical testing. Allele origin: germline.
Comment: This missense variant replaces alanine with glycine at codon 518 of the BRCA2 protein. Computational prediction suggests that this variant may not impact protein structure and function (internally defined REVEL score threshold <= 0.5, PMID: 27666373). To our knowledge, functional studies have not been reported for this variant. This variant has not been reported in individuals affected with hereditary cancer in the literature. This variant has not been identified in the general population by the Genome Aggregation Database (gnomAD). The available evidence is insufficient to determine the role of this variant in disease conclusively. Therefore, this variant is classified as a Variant of Uncertain Significance.

Labcorp Genetics (formerly Invitae), Labcorp
Classification: Uncertain significance for Hereditary breast ovarian cancer syndrome. Last evaluated: 2020-11-13. Review status: criteria provided, single submitter. Criteria: Invitae Variant Classification Sherloc (09022015). Collection method: clinical testing. Allele origin: germline.
Comment: This sequence change replaces alanine with glycine at codon 518 of the BRCA2 protein (p.Ala518Gly). The alanine residue is weakly conserved and there is a small physicochemical difference between alanine and glycine. This variant is not present in population databases (ExAC no frequency). This variant has not been reported in the literature in individuals with BRCA2-related conditions. ClinVar contains an entry for this variant (Variation ID: 928553). Advanced modeling of protein sequence and biophysical properties (such as structural, functional, and spatial information, amino acid conservation, physicochemical variation, residue mobility, and thermodynamic stability) performed at Invitae indicates that this missense variant is not expected to disrupt BRCA2 protein function. In summary, the available evidence is currently insufficient to determine the role of this variant in disease. Therefore, it has been classified as a Variant of Uncertain Significance.

Women's Health and Genetics/Laboratory Corporation of America, LabCorp
Classification: Uncertain significance. Last evaluated: 2019-09-26. Review status: criteria provided, single submitter. Criteria: LabCorp Variant Classification Summary - May 2015. Collection method: clinical testing. Allele origin: germline.
Comment: Variant summary: BRCA2 c.1553C>G (p.Ala518Gly) results in a non-conservative amino acid change in the encoded protein sequence. Three of five in-silico tools predict a benign effect of the variant on protein function. The variant was absent in 233266 control chromosomes (gnomAD). The available data on variant occurrences in the general population are insufficient to allow any conclusion about variant significance. To our knowledge, no occurrence of c.1553C>G in individuals affected with Hereditary Breast and Ovarian Cancer and no experimental evidence demonstrating its impact on protein function have been reported. No clinical diagnostic laboratories have submitted clinical-significance assessments for this variant to ClinVar after 2014. Based on the evidence outlined above, the variant was classified as uncertain significance.